The following is an entry in ClinVar:

NM_000256.3(MYBPC3):c.3538G>A (p.Ala1180Thr)

Gene: MYBPC3 (myosin binding protein C3; minus strand). Cytogenetic location: 11p11.2.
Variant type: single nucleotide variant.
Coding change: c.3538G>A on transcript NM_000256.3 (MANE Select); coding-DNA position 3538, G replaced by A.
Protein change: p.Ala1180Thr; replaces alanine 1180 with threonine.
Molecular consequence: missense variant.
Genome position (GRCh38, 1-based): chr11:47,332,655, C>T on the plus strand (G>A on the coding strand, the complement: MYBPC3 is on the minus strand). VCF-style: chr11-47332655-C-T. GRCh37 (hg19) VCF-style: chr11-47354206-C-T.
Other names: short protein forms A1180T.
Identifiers: ClinVar variation 1331768 (VCV001331768.3), dbSNP rs2142849995, ClinGen allele CA380312660.

ClinVar aggregate classification (germline): Uncertain significance (1 of 4 stars; one submission).

Conditions:
Cardiomyopathy (CMYO). Also called: Cardiomyopathies. Identifiers: Orphanet 167848, MedGen C0878544, MONDO:0004994, HP:0001638. Inheritance: Various modes of inheritance.

Submission:

Color Diagnostics, LLC DBA Color Health
Classification: Uncertain significance for Cardiomyopathy. Last evaluated: 2024-03-06. Review status: criteria provided, single submitter. Criteria: ACMG Guidelines, 2015. Collection method: clinical testing. Allele origin: germline.
Comment: This missense variant replaces alanine with threonine at codon 1180 of the MYBPC3 protein. Computational prediction is inconclusive regarding the impact of this variant on protein structure and function (internally defined REVEL score threshold 0.5 < inconclusive < 0.7, PMID: 27666373). To our knowledge, functional studies have not been reported for this variant. This variant has not been reported in individuals affected with cardiovascular disorders in the literature. This variant has not been identified in the general population by the Genome Aggregation Database (gnomAD). The available evidence is insufficient to determine the role of this variant in disease conclusively. Therefore, this variant is classified as a Variant of Uncertain Significance.